The following is an entry in ClinVar:

NM_005523.6(HOXA11):c.509C>A (p.Pro170Gln)

Genes: HOXA11 (homeobox A11; minus strand), LOC107126281 (NUP98-HOXA11 recombination region; plus strand). Cytogenetic location: 7p15.2.
Variant type: single nucleotide variant.
Coding change: c.509C>A on transcript NM_005523.6 (MANE Select); coding-DNA position 509, C replaced by A.
Protein change: p.Pro170Gln; replaces proline 170 with glutamine.
Molecular consequence: missense variant.
Genome position (GRCh38, 1-based): chr7:27,184,636, G>T on the plus strand (C>A on the coding strand, the complement: HOXA11 is on the minus strand). VCF-style: chr7-27184636-G-T. GRCh37 (hg19) VCF-style: chr7-27224255-G-T.
Other names: short protein forms P170Q.
Identifiers: ClinVar variation 2630820 (VCV002630820.1), dbSNP rs1266532859, ClinGen allele CA367106718.
Genomic context (GRCh38, chr7:27,184,636, plus strand): 5'-GAAGTTGCCGGCGCGCCCGTTGCAGCCGCCGCCGCCGCCGCGGAGGTCGCCGTGGCCGCC[G>T]GGGGCCCCTTCTCGGCGCTCTTGTCCCCGGGGTAGTCGGAGGAGGCGAGGTTTTCCGGGG-3'
Protein context (NP_005514.1, residues 160-180): PGDKSAEKGP[Pro170Gln]AATATSAAAA

ClinVar aggregate classification (germline): Uncertain significance (1 of 4 stars; one submission).

Conditions:
HOXA11-related disorder. Also called: HOXA11-related condition.

Allele frequency attached by ClinVar (database versions not stated): TOPMed below 0.00001.

Submission:

PreventionGenetics, part of Exact Sciences
Classification: Uncertain significance for HOXA11-related condition. Last evaluated: 2023-08-29. Review status: criteria provided, single submitter. Criteria: ACMG Guidelines, 2015. Collection method: clinical testing. Allele origin: germline.
Comment: The HOXA11 c.509C>A variant is predicted to result in the amino acid substitution p.Pro170Gln. To our knowledge, this variant has not been reported in the literature or in a large population database, indicating this variant is rare. At this time, the clinical significance of this variant is uncertain due to the absence of conclusive functional and genetic evidence.